The following is an entry in ClinVar:

ClinVar aggregate classification (germline): Pathogenic. Review status: criteria provided, multiple submitters, no conflicts (2 of 4 stars). 2 submissions from 2 submitters: Pathogenic (2). Last evaluated 2024-05-14.

Conditions:
Kartagener syndrome (CILD1). Also called: Dextrocardia bronchiectasis and sinusitis; SIEWERT SYNDROME; IMMOTILE CILIA SYNDROME; POLYNESIAN BRONCHIECTASIS; CILIARY DYSKINESIA, PRIMARY, 1; CILIARY DYSKINESIA, PRIMARY, 1, WITH OR WITHOUT SITUS INVERSUS. Identifiers: Orphanet 244, MedGen C4551906, MONDO:0009484, OMIM 244400.
Primary ciliary dyskinesia. Also called: Ciliary dyskinesia. Identifiers: Orphanet 244, MedGen C0008780, MONDO:0016575, HP:0012265.

Allele frequency attached by ClinVar (database versions not stated): gnomAD exomes below 0.00001; TOPMed below 0.00001; gnomAD 0.00003 and 0.00001.

Submissions (2):

Myriad Genetics, Inc.
Classification: Pathogenic for Kartagener syndrome. Last evaluated: 2024-05-14. Review status: criteria provided, single submitter. Criteria: Myriad Autosomal Dominant, Autosomal Recessive and X-Linked Classification Criteria (2023). Collection method: clinical testing. Allele origin: unknown.
Comment: NM_012144.2(DNAI1):c.912C>G(Y304*) is expected to be pathogenic in the context of primary ciliary dyskinesia, DNAI1-related. This variant is predicted to lead to an abnormal or absent protein product due to the creation of a premature termination codon in DNAI1, a gene where loss-of-function variants are known to be pathogenic. Please note: this variant was assessed in the context of healthy population screening.

Labcorp Genetics (formerly Invitae), Labcorp
Classification: Pathogenic for Primary ciliary dyskinesia. Last evaluated: 2016-02-15. Review status: criteria provided, single submitter. Criteria: Invitae Variant Classification Sherloc (09022015). Collection method: clinical testing. Allele origin: germline.
Comment: For these reasons, this variant has been classified as Pathogenic. While this particular variant has not been reported in the literature, truncating variants in DNAI1 are known to be pathogenic (PMID: 16858015). This sequence change creates a premature translational stop signal at codon 304 (p.Tyr304*) of the DNAI1 gene. It is expected to result in an absent or disrupted protein product.

Literature cited by the submitters: PubMed 16858015 (cited by Labcorp Genetics (formerly Invitae), Labcorp).

NM_012144.4(DNAI1):c.912C>G (p.Tyr304Ter)

Gene: DNAI1 (dynein axonemal intermediate chain 1; plus strand). Cytogenetic location: 9p13.3.
Variant type: single nucleotide variant.
Coding change: c.912C>G on transcript NM_012144.4 (MANE Select); coding-DNA position 912, C replaced by G.
Protein change: p.Tyr304Ter; replaces tyrosine 304 with a stop codon.
Molecular consequence: nonsense.
Genome position (GRCh38, 1-based): chr9:34,500,732, C>G. VCF-style: chr9-34500732-C-G. GRCh37 (hg19) VCF-style: chr9-34500730-C-G.
Other names: c.924C>G, p.Tyr308Ter (NM_001281428.2); short protein forms Y304*, Y308*.
Identifiers: ClinVar variation 240858 (VCV000240858.8), dbSNP rs878854968, ClinGen allele CA10582661.